The following is an entry in ClinVar:

NM_147127.5(EVC2):c.869C>T (p.Thr290Met)

Gene: EVC2 (EvC ciliary complex subunit 2; minus strand). Cytogenetic location: 4p16.2.
Variant type: single nucleotide variant.
Coding change: c.869C>T on transcript NM_147127.5 (MANE Select); coding-DNA position 869, C replaced by T.
Protein change: p.Thr290Met; replaces threonine 290 with methionine.
Molecular consequence: missense variant.
Genome position (GRCh38, 1-based): chr4:5,681,261, G>A on the plus strand (C>T on the coding strand, the complement: EVC2 is on the minus strand). VCF-style: chr4-5681261-G-A. GRCh37 (hg19) VCF-style: chr4-5682988-G-A.
Other names: c.629C>T, p.Thr210Met (NM_001166136.2); c.869C>T (NM_147127.4); short protein forms T210M, T290M.
Identifiers: ClinVar variation 1420111 (VCV001420111.9), dbSNP rs149414427, ClinGen allele CA2835271.
Genomic context (GRCh38, chr4:5,681,261, plus strand): 5'-CAGGACCCACACAGCACAGGTGTGTCCTGAGGGTGCTCAGGGCATGTCATGTCTCTTACC[G>A]TTACGTTTTCTTCTGCTGTTATGGAAAAAAGCACTTTCAGCTGTGTTCTGTTCTAGAAAA-3'
Protein context (NP_667338.3, residues 280-300): LFSITAEENV[Thr290Met]VLPHHGLHAA

ClinVar aggregate classification (germline): Uncertain significance. Review status: criteria provided, multiple submitters, no conflicts (2 of 4 stars). 2 submissions from 2 submitters: Uncertain significance (2). Last evaluated 2025-12-22.

Conditions:
Curry-Hall syndrome (WAD). Also called: WEYERS ACRODENTAL DYSOSTOSIS. Identifiers: Orphanet 952, MedGen C0457013, MONDO:0008673, OMIM 193530.
Ellis-van Creveld syndrome (EVC). Also called: MESOECTODERMAL DYSPLASIA; Chondroectodermal dysplasia. Identifiers: Orphanet 289, MedGen C0013903, MONDO:0009162, OMIM 225500.
Inborn genetic diseases. Identifiers: MedGen C0950123, MeSH D030342.

Allele frequency attached by ClinVar (database versions not stated): ExAC 0.00002; gnomAD exomes 0.00002; TOPMed 0.00002; ESP Exome Variant Server 0.00008; 1000 Genomes Project 30x 0.00016; 1000 Genomes Project 0.00020; gnomAD 0.00001.
gnomAD v4.1: 38 of 1,614,210 alleles (0.0024%); highest among the groups gnomAD compares: South Asian, 0.011%; no homozygotes.

Submissions (2):

Ambry Genetics
Classification: Uncertain significance for Inborn genetic diseases. Last evaluated: 2025-12-22. Review status: criteria provided, single submitter. Criteria: Ambry Variant Classification Scheme 2023. Collection method: clinical testing. Allele origin: germline.

Labcorp Genetics (formerly Invitae), Labcorp
Classification: Uncertain significance for Curry-Hall syndrome; Ellis-van Creveld syndrome. Last evaluated: 2025-11-27. Review status: criteria provided, single submitter. Criteria: Invitae Variant Classification Sherloc (09022015). Collection method: clinical testing. Allele origin: germline.
Comment: This sequence change replaces threonine, which is neutral and polar, with methionine, which is neutral and non-polar, at codon 290 of the EVC2 protein (p.Thr290Met). This variant is present in population databases (rs149414427, gnomAD 0.003%). This variant has not been reported in the literature in individuals affected with EVC2-related conditions. ClinVar contains an entry for this variant (Variation ID: 1420111). An algorithm developed to predict the effect of missense changes on protein structure and function outputs the following: PolyPhen-2: "Benign". The methionine amino acid residue is found in multiple mammalian species, which suggests that this missense change does not adversely affect protein function. In summary, the available evidence is currently insufficient to determine the role of this variant in disease. Therefore, it has been classified as a Variant of Uncertain Significance.